The following is an entry in ClinVar:

NM_023110.3(FGFR1):c.1865G>A (p.Arg622Gln)

Gene: FGFR1 (fibroblast growth factor receptor 1; minus strand). Cytogenetic location: 8p11.23.
Variant type: single nucleotide variant.
Coding change: c.1865G>A on transcript NM_023110.3 (MANE Select); coding-DNA position 1865, G replaced by A.
Protein change: p.Arg622Gln; replaces arginine 622 with glutamine.
Molecular consequence: missense variant.
Genome position (GRCh38, 1-based): chr8:38,414,891, C>T on the plus strand (G>A on the coding strand, the complement: FGFR1 is on the minus strand). VCF-style: chr8-38414891-C-T. GRCh37 (hg19) VCF-style: chr8-38272409-C-T.
Other names: c.1859G>A, p.Arg620Gln (NM_001354367.2, NM_015850.4, NM_001174063.2 and 1 more transcripts); c.1586G>A, p.Arg529Gln (NM_001354368.2); c.1853G>A, p.Arg618Gln (NM_001354369.2); c.1592G>A, p.Arg531Gln (NM_001354370.2, NM_023106.3); c.1598G>A, p.Arg533Gln (NM_023105.3, NM_001174066.2); c.1835G>A, p.Arg612Gln (NM_001174064.2); c.1958G>A, p.Arg653Gln (NM_001174067.2); short protein forms R529Q, R531Q, R533Q, R612Q, R618Q, R620Q, R622Q, R653Q.
Identifiers: ClinVar variation 1300944 (VCV001300944.10), dbSNP rs1815818452, ClinGen allele CA370730601.

ClinVar aggregate classification (germline): Conflicting classifications of pathogenicity. Review status: criteria provided, conflicting classifications (1 of 4 stars). 4 submissions from 4 submitters: Pathogenic (1); Likely pathogenic (2); Uncertain significance (1). Last evaluated 2026-10-07.

Conditions:
Hypogonadotropic hypogonadism 2 with or without anosmia (HH2). Also called: FGFR1-Related GnRH Deficiency (Kallmann Syndrome 2); HYPOGONADOTROPIC HYPOGONADISM 2 WITHOUT ANOSMIA; HYPOGONADOTROPIC HYPOGONADISM 2 WITH OR WITHOUT ANOSMIA, SUSCEPTIBILITY TO; HYPOGONADOTROPIC HYPOGONADISM 2 WITHOUT ANOSMIA, SUSCEPTIBILITY TO. Identifiers: Orphanet 478, MedGen C1563720, MONDO:0007844, OMIM 147950. Disease mechanism: loss of function.
Pfeiffer syndrome (ACS5). Also called: ACS V. Identifiers: Orphanet 710, MedGen C0220658, MONDO:0007043, OMIM 101600.
Orofacial cleft 1 (OFC1). Also called: CLEFT LIP WITH OR WITHOUT CLEFT PALATE, NONSYNDROMIC, 1; OROFACIAL CLEFT, NONSYNDROMIC; Nonsyndromic Cleft Lip/Palate. Identifiers: MedGen C1861537, MeSH C566121, MONDO:0007335, OMIM 119530.
Hartsfield-Bixler-Demyer syndrome (HRTFDS). Also called: Holoprosencephaly, ectrodactyly, and bilateral cleft lip/palate; Hartsfield syndrome; FGFR1-Related Hartsfield Syndrome. Identifiers: Orphanet 2117, MedGen C1845146, MONDO:0014196, OMIM 615465. Disease mechanism: loss of function.

Allele frequency attached by ClinVar (database versions not stated): gnomAD exomes below 0.00001; TOPMed below 0.00001.
gnomAD v4.1: 1 of 1,613,390 alleles (0.000062%); highest among the groups gnomAD compares: Non-Finnish European, 0.000085%; no homozygotes.

Submissions (4):

GeneDx
Classification: Likely pathogenic. Last evaluated: 2026-10-07. Review status: criteria provided, single submitter. Criteria: GeneDx Variant Classification Process June 2021. Collection method: clinical testing. Allele origin: germline.
Comment: Not observed at significant frequency in large population cohorts (gnomAD); In silico analysis supports that this missense variant has a deleterious effect on protein structure/function; This variant is associated with the following publications: (PMID: 23329143, 16757108, 20536592, 39843441, 40434549, 41042998, 41781901, 37833774)

Genetics Research Group, Universidad San Francisco de Quito
Classification: Pathogenic for Orofacial cleft 1. Last evaluated: 2025-09-01. Review status: criteria provided, single submitter. Criteria: ACMG Guidelines, 2015. Collection method: research. Allele origin: germline. Inheritance: Autosomal dominant inheritance. Affected: yes. Observed: 1 heterozygote.
Comment: The NM_023110.3:c.1865C>T (p.Arg622Gln) variant in FGFR1 is a heterozygous missense change located in a highly conserved region of the intracellular tyrosine kinase domain, which is essential for receptor activation and downstream FGF signaling (PM1). The substitution replaces a positively charged arginine with a neutral glutamine at codon 622, likely altering local electrostatic interactions and affecting receptor conformation. This position is evolutionarily conserved across vertebrates, supporting its functional importance. The variant is absent from gnomAD, including the Latin American subset (PM2), underscoring its rarity and emphasizing the importance of ancestry-specific databases in variant interpretation. In silico analyses predict a damaging effect on protein function (CADD PHRED = 33.0; PP3), consistent with structural disruption within the catalytic loop. Taken together, this variant fulfills ACMG/AMP criteria PM1, PM2, PP3, and PP4, supporting its classification as pathogenic for non-syndromic cleft lip and palate due to FGFR1 disruption.

Labcorp Genetics (formerly Invitae), Labcorp
Classification: Uncertain significance for Pfeiffer syndrome; Hypogonadotropic hypogonadism 2 with or without anosmia. Last evaluated: 2025-03-22. Review status: criteria provided, single submitter. Criteria: Invitae Variant Classification Sherloc (09022015). Collection method: clinical testing. Allele origin: germline.
Comment: This sequence change replaces arginine, which is basic and polar, with glutamine, which is neutral and polar, at codon 622 of the FGFR1 protein (p.Arg622Gln). This variant is not present in population databases (gnomAD no frequency). This missense change has been observed in individuals with clinical features of Kallmann syndrome and/or tooth agenesis (PMID: 20536592, 37833774; internal data). ClinVar contains an entry for this variant (Variation ID: 1300944). Invitae Evidence Modeling of protein sequence and biophysical properties (such as structural, functional, and spatial information, amino acid conservation, physicochemical variation, residue mobility, and thermodynamic stability) indicates that this missense variant is expected to disrupt FGFR1 protein function with a positive predictive value of 80%. This variant disrupts the p.Arg622 amino acid residue in FGFR1. Other variant(s) that disrupt this residue have been observed in individuals with FGFR1-related conditions (PMID: 16757108), which suggests that this may be a clinically significant amino acid residue. In summary, the available evidence is currently insufficient to determine the role of this variant in disease. Therefore, it has been classified as a Variant of Uncertain Significance.

3billion
Classification: Likely pathogenic for Hartsfield-Bixler-Demyer syndrome. Last evaluated: 2022-03-22. Review status: criteria provided, single submitter. Criteria: ACMG Guidelines, 2015. Collection method: clinical testing. Allele origin: germline. Affected: yes. Observed: 1 heterozygote.
Comment: The variant has been observed in at least two similarly affected unrelated individuals (PMID: 16757108).A different missense change at the same codon has been reported as pathogenic/likely pathogenic with strong evidence (ClinVar ID: VCV000265428, PMID:16757108). In silico tool predictions suggest damaging effect of the variant on gene or gene product (REVEL: 0.945>=0.6, 3CNET: 0.981>=0.75). A missense variant is a common mechanism. It is not observed in the gnomAD v2.1.1 dataset. Therefore, this variant is classified as likely pathogenic according to the recommendation of ACMG/AMP guideline.

Literature cited by the submitters: PubMed 20536592 (cited by Labcorp Genetics (formerly Invitae), Labcorp and 3billion); PubMed 37833774 (cited by Labcorp Genetics (formerly Invitae), Labcorp); PubMed 16757108 (cited by Labcorp Genetics (formerly Invitae), Labcorp and 3billion).